The following is an entry in ClinVar:

NM_001278512.2(AP3B2):c.2627T>C (p.Val876Ala)

Genes: AP3B2 (adaptor related protein complex 3 subunit beta 2; minus strand), CPEB1-AS1 (CPEB1 antisense RNA 1; plus strand). Cytogenetic location: 15q25.2.
Variant type: single nucleotide variant.
Coding change: c.2627T>C on transcript NM_001278512.2 (MANE Select); coding-DNA position 2627, T replaced by C.
Protein change: p.Val876Ala; replaces valine 876 with alanine.
Molecular consequence: missense variant.
Genome position (GRCh38, 1-based): chr15:82,662,900, A>G on the plus strand (T>C on the coding strand, the complement: AP3B2 is on the minus strand). VCF-style: chr15-82662900-A-G. GRCh37 (hg19) VCF-style: chr15-83331652-A-G.
Other names: c.2474T>C, p.Val825Ala (NM_001278511.2); c.2570T>C, p.Val857Ala (NM_004644.5); short protein forms V825A, V857A, V876A.
Identifiers: ClinVar variation 1370466 (VCV001370466.4), dbSNP rs776102181, ClinGen allele CA7699830.

ClinVar aggregate classification (germline): Uncertain significance (1 of 4 stars; one submission).

Allele frequency attached by ClinVar (database versions not stated): gnomAD exomes below 0.00001; ExAC 0.00001; gnomAD 0.00001; TOPMed 0.00001.
gnomAD v4.1: 8 of 1,613,116 alleles (0.0005%); highest among the groups gnomAD compares: Non-Finnish European, 0.00068%; no homozygotes.

Submission:

Labcorp Genetics (formerly Invitae), Labcorp
Classification: Uncertain significance. Last evaluated: 2021-07-28. Review status: criteria provided, single submitter. Criteria: Invitae Variant Classification Sherloc (09022015). Collection method: clinical testing. Allele origin: germline.
Comment: In summary, the available evidence is currently insufficient to determine the role of this variant in disease. Therefore, it has been classified as a Variant of Uncertain Significance. Algorithms developed to predict the effect of missense changes on protein structure and function output the following: SIFT: "Tolerated"; PolyPhen-2: "Benign"; Align-GVGD: "Class C0". The alanine amino acid residue is found in multiple mammalian species, which suggests that this missense change does not adversely affect protein function. This variant has not been reported in the literature in individuals affected with AP3B2-related conditions. This variant is present in population databases (rs776102181, ExAC 0.002%). This sequence change replaces valine with alanine at codon 857 of the AP3B2 protein (p.Val857Ala). The valine residue is weakly conserved and there is a small physicochemical difference between valine and alanine.